The following is an entry in ClinVar:

NM_198525.3(KIF7):c.877dup (p.Gln293fs)

Gene: KIF7 (kinesin family member 7; minus strand). Cytogenetic location: 15q26.1.
Variant type: Duplication.
Coding change: c.877dup on transcript NM_198525.3 (MANE Select); coding-DNA position 877, one base duplicated (C; older notation c.877dupC).
Protein change: p.Gln293fs; shifts the reading frame from glutamine 293.
Molecular consequence: frameshift variant.
Genome position (GRCh38, 1-based): chr15:89,649,020, G duplicated on the plus strand (C on the coding strand, the reverse complement: KIF7 is on the minus strand). VCF-style (leftmost placement, unchanged base first): chr15-89649019-T-TG. GRCh37 (hg19) VCF-style: chr15-90192250-T-TG.
Other names: short protein forms Q293fs.
Identifiers: ClinVar variation 1895830 (VCV001895830.6), dbSNP rs1369825523, ClinGen allele CA619858375.

ClinVar aggregate classification (germline): Pathogenic/Likely pathogenic. Review status: criteria provided, multiple submitters, no conflicts (2 of 4 stars). 2 submissions from 2 submitters: Pathogenic (1); Likely pathogenic (1). Last evaluated 2024-03-08.

Conditions:
Acrocallosal syndrome (ACLS). Also called: HALLUX DUPLICATION, POSTAXIAL POLYDACTYLY, AND ABSENCE OF CORPUS CALLOSUM; Schinzel syndrome 1; Absence of corpus callosum with unusual facial appearance, mental deficiency, duplication of the halluces and polydactyly. Identifiers: Orphanet 36, MedGen C0796147, MONDO:0008708, OMIM 200990.
KIF7-related disorder. Also called: KIF7-related condition.

Allele frequency attached by ClinVar (database versions not stated): TOPMed below 0.00001; gnomAD 0.00001; gnomAD exomes 0.00001.

Submissions (2):

Blueprint Genetics
Classification: Likely pathogenic for KIF7-related disorders. Last evaluated: 2024-03-08. Review status: criteria provided, single submitter. Criteria: ACMG Guidelines, 2015. Collection method: clinical testing. Allele origin: germline. Affected: yes. Observed: 5 variant alleles.

Labcorp Genetics (formerly Invitae), Labcorp
Classification: Pathogenic for Acrocallosal syndrome. Last evaluated: 2024-01-25. Review status: criteria provided, single submitter. Criteria: Invitae Variant Classification Sherloc (09022015). Collection method: clinical testing. Allele origin: germline.
Comment: This sequence change creates a premature translational stop signal (p.Gln293Profs*170) in the KIF7 gene. It is expected to result in an absent or disrupted protein product. Loss-of-function variants in KIF7 are known to be pathogenic (PMID: 19666503, 21552264, 21633164, 26648833). This variant is present in population databases (no rsID available, gnomAD 0.002%). This variant has not been reported in the literature in individuals affected with KIF7-related conditions. ClinVar contains an entry for this variant (Variation ID: 1895830). For these reasons, this variant has been classified as Pathogenic.

Literature cited by the submitters: PubMed 19666503 (cited by Labcorp Genetics (formerly Invitae), Labcorp); PubMed 21552264 (cited by Labcorp Genetics (formerly Invitae), Labcorp); PubMed 21633164 (cited by Labcorp Genetics (formerly Invitae), Labcorp); PubMed 26648833 (cited by Labcorp Genetics (formerly Invitae), Labcorp).